The following is an entry in ClinVar:

NM_000256.3(MYBPC3):c.3170C>T (p.Thr1057Met)

Gene: MYBPC3 (myosin binding protein C3; minus strand). Cytogenetic location: 11p11.2.
Variant type: single nucleotide variant.
Coding change: c.3170C>T on transcript NM_000256.3 (MANE Select); coding-DNA position 3170, C replaced by T.
Protein change: p.Thr1057Met; replaces threonine 1057 with methionine.
Molecular consequence: missense variant.
Genome position (GRCh38, 1-based): chr11:47,333,577, G>A on the plus strand (C>T on the coding strand, the complement: MYBPC3 is on the minus strand). VCF-style: chr11-47333577-G-A. GRCh37 (hg19) VCF-style: chr11-47355128-G-A.
Other names: c.3170C>T, p.Thr1057Met (LRG_386t1); short protein forms T1057M.
Identifiers: ClinVar variation 520333 (VCV000520333.30), dbSNP rs754115924, ClinGen allele CA079179.

ClinVar aggregate classification (germline): Conflicting classifications of pathogenicity. Review status: criteria provided, conflicting classifications (1 of 4 stars). 8 submissions from 8 submitters: Uncertain significance (7); Likely benign (1). Last evaluated 2026-03-19.

Conditions:
Left ventricular noncompaction 10 (LVNC10). Identifiers: Orphanet 154, Orphanet 54260, MedGen C3715165, MONDO:0014163, OMIM 615396.
Hypertrophic cardiomyopathy 4. Also called: Familial hypertrophic cardiomyopathy 4. Identifiers: MedGen C1861862, MONDO:0007268, OMIM 115197.
MYBPC3-related disorder. Also called: MYBPC3-related condition; MYBPC3-related disease; MYBPC3-related disorders.
Hypertrophic cardiomyopathy. Also called: HYPERTROPHIC MYOCARDIOPATHY. Identifiers: Orphanet 217569, MedGen C0007194, MeSH D002312, MONDO:0005045, HP:0001639.
Cardiovascular phenotype. Identifiers: MedGen CN230736.
Cardiomyopathy (CMYO). Also called: Cardiomyopathies. Identifiers: Orphanet 167848, MedGen C0878544, MONDO:0004994, HP:0001638. Inheritance: Various modes of inheritance.

Allele frequency attached by ClinVar (database versions not stated): ExAC 0.00001; gnomAD exomes 0.00001 and 0.00006; gnomAD 0.00002 and 0.00003; TOPMed 0.00005.
gnomAD v4.1: 91 of 1,600,708 alleles (0.0057%); highest among the groups gnomAD compares: Non-Finnish European, 0.0072%; no homozygotes.

Submissions (8):

PreventionGenetics, part of Exact Sciences
Classification: Uncertain significance for MYBPC3-related condition. Last evaluated: 2026-03-19. Review status: criteria provided, single submitter. Criteria: ACMG Guidelines, 2015. Collection method: clinical testing. Allele origin: germline.
Comment: The MYBPC3 c.3170C>T variant is predicted to result in the amino acid substitution p.Thr1057Met. This variant has been reported in a cohort study of individuals with hypertrophic cardiomyopathy; however, no case‑level clinical information is available (Millat et al. 2010. PubMed ID: 20800588). This variant is reported in 0.0041% of alleles in individuals of African descent in gnomAD. At this time, the clinical significance of this variant is uncertain due to the absence of conclusive functional and genetic evidence.

Labcorp Genetics (formerly Invitae), Labcorp
Classification: Uncertain significance for Hypertrophic cardiomyopathy. Last evaluated: 2025-01-19. Review status: criteria provided, single submitter. Criteria: Invitae Variant Classification Sherloc (09022015). Collection method: clinical testing. Allele origin: germline.
Comment: This sequence change replaces threonine, which is neutral and polar, with methionine, which is neutral and non-polar, at codon 1057 of the MYBPC3 protein (p.Thr1057Met). This variant is present in population databases (rs754115924, gnomAD 0.004%). This missense change has been observed in individual(s) with hypertrophic cardiomyopathy (PMID: 20800588). ClinVar contains an entry for this variant (Variation ID: 520333). An algorithm developed to predict the effect of missense changes on protein structure and function (PolyPhen-2) suggests that this variant is likely to be disruptive. In summary, the available evidence is currently insufficient to determine the role of this variant in disease. Therefore, it has been classified as a Variant of Uncertain Significance.

Ambry Genetics
Classification: Likely benign for Cardiovascular phenotype. Last evaluated: 2024-11-22. Review status: criteria provided, single submitter. Criteria: Ambry Variant Classification Scheme 2023. Collection method: clinical testing. Allele origin: germline.

All of Us Research Program, National Institutes of Health
Classification: Uncertain significance for Hypertrophic cardiomyopathy. Last evaluated: 2024-08-05. Review status: criteria provided, single submitter. Criteria: ACMG Guidelines, 2015. Collection method: clinical testing. Allele origin: germline. Inheritance: Autosomal dominant inheritance. Observed: 12 variant alleles, 12 heterozygotes.
Comment: This missense variant replaces threonine with methionine at codon 1057 of the MYBPC3 protein. Computational prediction suggests that this variant may not impact protein structure and function (internally defined REVEL score threshold <= 0.5, PMID: 27666373). To our knowledge, functional studies have not been performed for this variant. This variant has not been reported in individuals affected with cardiovascular disorders in the literature. This variant has been identified in 4/271254 chromosomes in the general population by the Genome Aggregation Database (gnomAD). The available evidence is insufficient to determine the role of this variant in disease conclusively. Therefore, this variant is classified as a Variant of Uncertain Significance.

This study involves interpretation of variants in research participants for the purpose of population health screening. Participant phenotype was not available at the time of variant classification. Additional details can be found in publication PMID: 35346344, PMCID: PMC8962531

GeneDx
Classification: Uncertain significance. Last evaluated: 2024-05-17. Review status: criteria provided, single submitter. Criteria: GeneDx Variant Classification Process June 2021. Collection method: clinical testing. Allele origin: germline. Affected: yes.
Comment: Identified in patients with HCM in published literature (PMID: 20800588) and referred for genetic testing at GeneDx; Not observed at significant frequency in large population cohorts (gnomAD); In silico analysis supports that this missense variant has a deleterious effect on protein structure/function; This variant is associated with the following publications: (PMID: 20800588)

Color Diagnostics, LLC DBA Color Health
Classification: Uncertain significance for Cardiomyopathy. Last evaluated: 2023-12-13. Review status: criteria provided, single submitter. Criteria: ACMG Guidelines, 2015. Collection method: clinical testing. Allele origin: germline.
Comment: This missense variant replaces threonine with methionine at codon 1057 of the MYBPC3 protein. Computational prediction tool indicates that this variant may have a neutral impact on protein structure and function. To our knowledge, functional studies have not been reported for this variant. This variant has not been reported in individuals affected with MYBPC3-related disorders in the literature. This variant has been identified in 4/271254 chromosomes in the general population by the Genome Aggregation Database (gnomAD). The available evidence is insufficient to determine the role of this variant in disease conclusively. Therefore, this variant is classified as a Variant of Uncertain Significance.

Fulgent Genetics
Classification: Uncertain significance for Hypertrophic cardiomyopathy 4; Left ventricular noncompaction 10. Last evaluated: 2021-09-02. Review status: criteria provided, single submitter. Criteria: ACMG Guidelines, 2015. Collection method: clinical testing. Allele origin: unknown.

CHEO Genetics Diagnostic Laboratory, Children's Hospital of Eastern Ontario
Classification: Uncertain significance for Cardiomyopathy. Last evaluated: 2020-07-07. Review status: criteria provided, single submitter. Criteria: ACMG Guidelines, 2015. Collection method: clinical testing. Allele origin: germline.

Literature cited by the submitters: PubMed 20800588 (cited by Labcorp Genetics (formerly Invitae), Labcorp and Ambry Genetics).